The following is an entry in ClinVar:

ClinVar aggregate classification (germline): Pathogenic (1 of 4 stars; one submission).

Submission:

Labcorp Genetics (formerly Invitae), Labcorp
Classification: Pathogenic. Last evaluated: 2022-11-01. Review status: criteria provided, single submitter. Criteria: Invitae Variant Classification Sherloc (09022015). Collection method: clinical testing. Allele origin: germline.
Comment: For these reasons, this variant has been classified as Pathogenic. This variant disrupts a region of the F11 protein in which other variant(s) (p.Thr593Met) have been determined to be pathogenic (PMID: 14717969, 15749683, 27067486). This suggests that this is a clinically significant region of the protein, and that variants that disrupt it are likely to be disease-causing. This variant has not been reported in the literature in individuals affected with F11-related conditions. This variant is not present in population databases (gnomAD no frequency). This sequence change creates a premature translational stop signal (p.Gly576*) in the F11 gene. While this is not anticipated to result in nonsense mediated decay, it is expected to disrupt the last 50 amino acid(s) of the F11 protein.

Literature cited by the submitters: PubMed 14717969; PubMed 15749683; PubMed 27067486.

NM_000128.4(F11):c.1726G>T (p.Gly576Ter)

Genes: F11 (coagulation factor XI; plus strand), F11-AS1 (F11 antisense RNA 1; minus strand). Cytogenetic location: 4q35.2.
Variant type: single nucleotide variant.
Coding change: c.1726G>T on transcript NM_000128.4 (MANE Select); coding-DNA position 1726, G replaced by T.
Protein change: p.Gly576Ter; replaces glycine 576 with a stop codon.
Molecular consequence: nonsense. On other transcripts: non-coding transcript variant (1).
Genome position (GRCh38, 1-based): chr4:186,288,462, G>T. VCF-style: chr4-186288462-G-T. GRCh37 (hg19) VCF-style: chr4-187209616-G-T.
Other names: short protein forms G576*.
Identifiers: ClinVar variation 2170262 (VCV002170262.4), dbSNP rs2477449564, ClinGen allele CA358945844.
Genomic context (GRCh38, chr4:186,288,462, plus strand): 5'-GGAAGCGTCTGAGTTGATCTGTGCACCTTTTCTTGTCTCCCCTCGTTCTAGGGAGATTCG[G>T]GAGGCCCTCTGTCCTGCAAACACAATGAGGTCTGGCATCTGGTAGGCATCACGAGCTGGG-3'